The following is an entry in ClinVar:

ClinVar aggregate classification (germline): Conflicting classifications of pathogenicity. Review status: criteria provided, conflicting classifications (1 of 4 stars). 2 submissions from 2 submitters: Likely pathogenic (1); Uncertain significance (1). Last evaluated 2025-12-17.

Conditions:
Bartter disease type 1. Also called: HYPERPROSTAGLANDIN E SYNDROME 1; HYPOKALEMIC ALKALOSIS WITH HYPERCALCIURIA 1, ANTENATAL; Bartter Syndrome type 1; Bartter syndrome, type 1, antenatal. Identifiers: Orphanet 112, Orphanet 620217, MedGen C1866495, MONDO:0100344, OMIM 601678, MONDO:0011127.

Submissions (2):

Women's Health and Genetics/Laboratory Corporation of America, LabCorp
Classification: Uncertain significance. Last evaluated: 2025-12-17. Review status: criteria provided, single submitter. Criteria: LabCorp Variant Classification Summary - May 2015. Collection method: clinical testing. Allele origin: germline.
Comment: Variant summary: SLC12A1 c.1166C>T (p.Pro389Leu) results in a non-conservative amino acid change in the encoded protein sequence. Algorithms developed to predict the effect of missense changes on protein structure and function all suggest that this variant is likely to be disruptive. The variant was absent in 251004 control chromosomes. The available data on variant occurrences in the general population are insufficient to allow any conclusion about variant significance. To our knowledge, no occurrence of c.1166C>T in individuals affected with SLC12A1-related conditions and no experimental evidence demonstrating its impact on protein function have been reported. ClinVar contains an entry for this variant (Variation ID: 3064473). Based on the evidence outlined above, the variant was classified as uncertain significance.

Genomic Medicine Center of Excellence, King Faisal Specialist Hospital and Research Centre
Classification: Likely pathogenic for Bartter disease type 1. Last evaluated: 2024-03-25. Review status: criteria provided, single submitter. Criteria: ACMG Guidelines, 2015. Collection method: research. Allele origin: germline.

NM_000338.3(SLC12A1):c.1166C>T (p.Pro389Leu)

Gene: SLC12A1 (solute carrier family 12 member 1; plus strand). Cytogenetic location: 15q21.1.
Variant type: single nucleotide variant.
Coding change: c.1166C>T on transcript NM_000338.3 (MANE Select); coding-DNA position 1166, C replaced by T.
Protein change: p.Pro389Leu; replaces proline 389 with leucine.
Molecular consequence: missense variant.
Genome position (GRCh38, 1-based): chr15:48,234,955, C>T. VCF-style: chr15-48234955-C-T. GRCh37 (hg19) VCF-style: chr15-48527152-C-T.
Other names: c.1166C>T, p.Pro389Leu (NM_001184832.2, NM_001384136.1); short protein forms P389L.
Identifiers: ClinVar variation 3064473 (VCV003064473.4), dbSNP rs2505058115, ClinGen allele CA392308703.